The following is an entry in ClinVar:

NM_005005.3(NDUFB9):c.161A>T (p.Glu54Val)

Gene: NDUFB9 (NADH:ubiquinone oxidoreductase subunit B9; plus strand). Cytogenetic location: 8q24.13.
Variant type: single nucleotide variant.
Coding change: c.161A>T on transcript NM_005005.3 (MANE Select); coding-DNA position 161, A replaced by T.
Protein change: p.Glu54Val; replaces glutamic acid 54 with valine.
Molecular consequence: missense variant. On other transcripts: 5 prime UTR variant (1).
Genome position (GRCh38, 1-based): chr8:124,543,146, A>T. VCF-style: chr8-124543146-A-T. GRCh37 (hg19) VCF-style: chr8-125555387-A-T.
Other names: c.-8A>T (NM_001278645.2); c.32A>T, p.Glu11Val (NM_001278646.2); c.128A>T, p.Glu43Val (NM_001311168.2); short protein forms E11V, E54V, E43V.
Identifiers: ClinVar variation 2047099 (VCV002047099.4), dbSNP rs138066988, ClinGen allele CA4871484.

ClinVar aggregate classification (germline): Uncertain significance (1 of 4 stars; one submission).

Allele frequency attached by ClinVar (database versions not stated): ExAC 0.00007; gnomAD 0.00009; TOPMed 0.00010; ESP Exome Variant Server 0.00015; 1000 Genomes Project 0.00020; gnomAD exomes 0.00020; 1000 Genomes Project 30x 0.00031.
gnomAD v4.1: 302 of 1,614,256 alleles (0.019%); highest among the groups gnomAD compares: Non-Finnish European, 0.025%; no homozygotes.

Submission:

Labcorp Genetics (formerly Invitae), Labcorp
Classification: Uncertain significance. Last evaluated: 2025-10-10. Review status: criteria provided, single submitter. Criteria: Invitae Variant Classification Sherloc (09022015). Collection method: clinical testing. Allele origin: germline.
Comment: This sequence change replaces glutamic acid, which is acidic and polar, with valine, which is neutral and non-polar, at codon 54 of the NDUFB9 protein (p.Glu54Val). This variant is present in population databases (rs138066988, gnomAD 0.01%). This variant has not been reported in the literature in individuals affected with NDUFB9-related conditions. ClinVar contains an entry for this variant (Variation ID: 2047099). An algorithm developed to predict the effect of missense changes on protein structure and function (PolyPhen-2) suggests that this variant is likely to be tolerated. In summary, the available evidence is currently insufficient to determine the role of this variant in disease. Therefore, it has been classified as a Variant of Uncertain Significance.